The following is an entry in ClinVar:

ClinVar aggregate classification (germline): Likely benign (1 of 4 stars; one submission).

Conditions:
AFF4-related disorder. Also called: AFF4-related condition.

gnomAD v4.1: 3 of 1,614,048 alleles (0.00019%); highest among the groups gnomAD compares: African/African-American, 0.0027%; no homozygotes.

Submission:

PreventionGenetics, part of Exact Sciences
Classification: Likely benign for AFF4-related condition. Last evaluated: 2026-08-03. Review status: criteria provided, single submitter. Criteria: ACMG Guidelines, 2015. Collection method: clinical testing. Allele origin: germline.
Comment: This variant is classified as likely benign based on ACMG/AMP sequence variant interpretation guidelines (Richards et al. 2015 PMID: 25741868, with internal and published modifications).

NM_014423.4(AFF4):c.2637+9T>C

Gene: AFF4 (ALF transcription elongation factor 4; minus strand). Cytogenetic location: 5q31.1.
Variant type: single nucleotide variant.
Coding change: c.2637+9T>C on transcript NM_014423.4 (MANE Select); 9 bases into the intron after coding-DNA position 2637, T replaced by C.
Molecular consequence: intron variant.
Genome position (GRCh38, 1-based): chr5:132,892,155, A>G on the plus strand (T>C on the coding strand, the complement: AFF4 is on the minus strand). VCF-style: chr5-132892155-A-G. GRCh37 (hg19) VCF-style: chr5-132227847-A-G.
Identifiers: ClinVar variation 5000280 (VCV005000280.1).
Genomic context (GRCh38, chr5:132,892,155, plus strand): 5'-GTGTCACCCTGGAAAAGTCACATGGCAAGTTGAATGATTTTCAAAAGCCCCAGGCCCCCA[A>G]CACTTTACCTTAACCTCCTTGGAGCTACTGGAAGTCTTCCCTTCGGTCTTCTTCTGCTTT-3'